The following is an entry in ClinVar:

NM_000548.5(TSC2):c.2042T>A (p.Leu681Gln)

Gene: TSC2 (TSC complex subunit 2; plus strand). Cytogenetic location: 16p13.3.
Variant type: single nucleotide variant.
Coding change: c.2042T>A on transcript NM_000548.5 (MANE Select); coding-DNA position 2042, T replaced by A.
Protein change: p.Leu681Gln; replaces leucine 681 with glutamine.
Molecular consequence: missense variant.
Genome position (GRCh38, 1-based): chr16:2,071,879, T>A. VCF-style: chr16-2071879-T-A. GRCh37 (hg19) VCF-style: chr16-2121880-T-A.
Other names: c.2042T>A, p.Leu681Gln (NM_001077183.3, NM_001114382.3, NM_001363528.2 and 3 more transcripts); c.1931T>A, p.Leu644Gln (NM_001318827.2); c.1895T>A, p.Leu632Gln (NM_001318829.2); c.1442T>A, p.Leu481Gln (NM_001318831.2); c.2075T>A, p.Leu692Gln (NM_001318832.2); short protein forms L681Q, L481Q, L692Q, L632Q, L644Q.
Identifiers: ClinVar variation 237977 (VCV000237977.17), dbSNP rs878854079, ClinGen allele CA10583301.

ClinVar aggregate classification (germline): Uncertain significance. Review status: criteria provided, multiple submitters, no conflicts (2 of 4 stars). 3 submissions from 3 submitters: Uncertain significance (3). Last evaluated 2025-03-17.

Conditions:
Hereditary cancer-predisposing syndrome. Also called: Tumor predisposition; Hereditary Cancer Syndrome; Hereditary neoplastic syndrome; Neoplastic Syndromes, Hereditary. Identifiers: Orphanet 140162, MedGen C0027672, MeSH D009386, MONDO:0015356.
Tuberous sclerosis 2 (TSC2). Identifiers: Orphanet 805, MedGen C1860707, MONDO:0013199, OMIM 613254.

Submissions (3):

Labcorp Genetics (formerly Invitae), Labcorp
Classification: Uncertain significance for Tuberous sclerosis 2. Last evaluated: 2025-03-17. Review status: criteria provided, single submitter. Criteria: Invitae Variant Classification Sherloc (09022015). Collection method: clinical testing. Allele origin: germline.
Comment: This sequence change replaces leucine, which is neutral and non-polar, with glutamine, which is neutral and polar, at codon 681 of the TSC2 protein (p.Leu681Gln). This variant is not present in population databases (gnomAD no frequency). This variant has not been reported in the literature in individuals affected with TSC2-related conditions. ClinVar contains an entry for this variant (Variation ID: 237977). Invitae Evidence Modeling of protein sequence and biophysical properties (such as structural, functional, and spatial information, amino acid conservation, physicochemical variation, residue mobility, and thermodynamic stability) indicates that this missense variant is not expected to disrupt TSC2 protein function with a negative predictive value of 95%. In summary, the available evidence is currently insufficient to determine the role of this variant in disease. Therefore, it has been classified as a Variant of Uncertain Significance.

Ambry Genetics
Classification: Uncertain significance for Hereditary cancer-predisposing syndrome. Last evaluated: 2025-01-30. Review status: criteria provided, single submitter. Criteria: Ambry Variant Classification Scheme 2023. Collection method: clinical testing. Allele origin: germline.
Comment: The p.L681Q variant (also known as c.2042T>A), located in coding exon 18 of the TSC2 gene, results from a T to A substitution at nucleotide position 2042. The leucine at codon 681 is replaced by glutamine, an amino acid with dissimilar properties. This amino acid position is well conserved in available vertebrate species. In addition, the in silico prediction for this alteration is inconclusive. Based on the available evidence, the clinical significance of this variant remains unclear.

Genome-Nilou Lab
Classification: Uncertain significance for Tuberous sclerosis 2. Last evaluated: 2021-11-07. Review status: criteria provided, single submitter. Criteria: ACMG Guidelines, 2015. Collection method: clinical testing. Allele origin: germline. Affected: no.